The following is an entry in ClinVar:

ClinVar aggregate classification (germline): Uncertain significance. Review status: criteria provided, multiple submitters, no conflicts (2 of 4 stars). 4 submissions from 4 submitters: Uncertain significance (4). Last evaluated 2025-05-08.

Conditions:
Cardiovascular phenotype. Identifiers: MedGen CN230736.
Dilated cardiomyopathy 1JJ (CMD1JJ). Identifiers: Orphanet 154, MedGen C3808935, MONDO:0014095, OMIM 615235.

Allele frequency attached by ClinVar (database versions not stated): gnomAD exomes 0.00001 and 0.00002; gnomAD 0.00002 and 0.00003; TOPMed 0.00002; ESP Exome Variant Server 0.00015.
gnomAD v4.1: 16 of 1,613,790 alleles (0.00099%); highest among the groups gnomAD compares: Non-Finnish European, 0.0013%; no homozygotes.

Submissions (4):

Ambry Genetics
Classification: Uncertain significance for Cardiovascular phenotype. Last evaluated: 2025-05-08. Review status: criteria provided, single submitter. Criteria: Ambry Variant Classification Scheme 2023. Collection method: clinical testing. Allele origin: germline.
Comment: The p.N1745D variant (also known as c.5233A>G), located in coding exon 37 of the LAMA4 gene, results from an A to G substitution at nucleotide position 5233. The asparagine at codon 1745 is replaced by aspartic acid, an amino acid with highly similar properties. This amino acid position is conserved. In addition, the in silico prediction for this alteration is inconclusive. Since supporting evidence is limited at this time, the clinical significance of this alteration remains unclear.

Labcorp Genetics (formerly Invitae), Labcorp
Classification: Uncertain significance for Dilated cardiomyopathy 1JJ. Last evaluated: 2024-02-23. Review status: criteria provided, single submitter. Criteria: Invitae Variant Classification Sherloc (09022015). Collection method: clinical testing. Allele origin: germline.
Comment: This sequence change replaces asparagine, which is neutral and polar, with aspartic acid, which is acidic and polar, at codon 1745 of the LAMA4 protein (p.Asn1745Asp). This variant is present in population databases (rs371370857, gnomAD 0.002%). This missense change has been observed in individual(s) with cardiomyopathy (PMID: 36252119). This variant is also known as p.Asn1752Asp. ClinVar contains an entry for this variant (Variation ID: 643208). An algorithm developed to predict the effect of missense changes on protein structure and function (PolyPhen-2) suggests that this variant is likely to be disruptive. In summary, the available evidence is currently insufficient to determine the role of this variant in disease. Therefore, it has been classified as a Variant of Uncertain Significance.

Fulgent Genetics
Classification: Uncertain significance for Dilated cardiomyopathy 1JJ. Last evaluated: 2021-08-13. Review status: criteria provided, single submitter. Criteria: ACMG Guidelines, 2015. Collection method: clinical testing. Allele origin: unknown.

Centre for Mendelian Genomics, University Medical Centre Ljubljana
Classification: Uncertain significance for Dilated cardiomyopathy 1JJ. Last evaluated: 2020-01-28. Review status: criteria provided, single submitter. Criteria: ACMG Guidelines, 2015. Collection method: clinical testing. Allele origin: unknown. Affected: yes.
Comment: This variant was classified as: Uncertain significance. The available evidence on this variant's pathogenicity is insufficient or conflicting. The following ACMG criteria were applied in classifying this variant: PM2,PP3,BP1.

Literature cited by the submitters: PubMed 36252119 (cited by Labcorp Genetics (formerly Invitae), Labcorp).

NM_001105206.3(LAMA4):c.5254A>G (p.Asn1752Asp)

Gene: LAMA4 (laminin subunit alpha 4; minus strand). Cytogenetic location: 6q21.
Variant type: single nucleotide variant.
Coding change: c.5254A>G on transcript NM_001105206.3 (MANE Select); coding-DNA position 5254, A replaced by G.
Protein change: p.Asn1752Asp; replaces asparagine 1752 with aspartic acid.
Molecular consequence: missense variant.
Genome position (GRCh38, 1-based): chr6:112,114,148, T>C on the plus strand (A>G on the coding strand, the complement: LAMA4 is on the minus strand). VCF-style: chr6-112114148-T-C. GRCh37 (hg19) VCF-style: chr6-112435351-T-C.
Other names: c.5233A>G, p.Asn1745Asp (NM_001105207.3, NM_002290.5); short protein forms N1745D, N1752D.
Identifiers: ClinVar variation 643208 (VCV000643208.17), dbSNP rs371370857, ClinGen allele CA144877274.